The following is an entry in ClinVar:

NM_000138.5(FBN1):c.5242T>C (p.Cys1748Arg)

Gene: FBN1 (fibrillin 1; minus strand). Cytogenetic location: 15q21.1.
Variant type: single nucleotide variant.
Coding change: c.5242T>C on transcript NM_000138.5 (MANE Select); coding-DNA position 5242, T replaced by C.
Protein change: p.Cys1748Arg; replaces cysteine 1748 with arginine.
Molecular consequence: missense variant.
Genome position (GRCh38, 1-based): chr15:48,460,300, A>G on the plus strand (T>C on the coding strand, the complement: FBN1 is on the minus strand). VCF-style: chr15-48460300-A-G. GRCh37 (hg19) VCF-style: chr15-48752497-A-G.
Other names: c.5242T>C, p.Cys1748Arg (NM_001406716.1); short protein forms C1748R.
Identifiers: ClinVar variation 2137689 (VCV002137689.5), dbSNP rs2505485657, ClinGen allele CA392348069.

ClinVar aggregate classification (germline): Pathogenic. Review status: criteria provided, multiple submitters, no conflicts (2 of 4 stars). 2 submissions from 2 submitters: Pathogenic (2). Last evaluated 2026-02-09.

Conditions:
Familial thoracic aortic aneurysm and aortic dissection (TAAD). Also called: Thoracic aortic aneurysms and dissections. Identifiers: Orphanet 91387, MedGen C4707243, MONDO:0019625.
Marfan syndrome (MFS). Also called: MARFAN SYNDROME, TYPE I; Marfan syndrome type 1; Marfan's syndrome; Marfan syndrome, classic; FBN1-Related Marfan Syndrome. Identifiers: Orphanet 284963, Orphanet 558, MedGen C0024796, MONDO:0007947, OMIM 154700.

Submissions (2):

GeneDx
Classification: Pathogenic. Last evaluated: 2026-02-09. Review status: criteria provided, single submitter. Criteria: GeneDx Variant Classification Process June 2021. Collection method: clinical testing. Allele origin: germline.
Comment: Affects a cysteine residue within a TGF-binding protein domain (aka TB domain or 8-Cysteine domain) and is expected to disrupt disulfide bonding within this domain; other missense substitutions that affect cysteine residues within TGF-binding protein domains have been reported in association with FBN1-related disorders (PMIDs: 8281141, 21175431, 7622614; HGMD); Not observed at significant frequency in large population cohorts (gnomAD); In silico analysis supports that this missense variant has a deleterious effect on protein structure/function; This variant is associated with the following publications: (PMID: 23897642, 8281141, 21175431, 7622614)

Labcorp Genetics (formerly Invitae), Labcorp
Classification: Pathogenic for Marfan syndrome; Familial thoracic aortic aneurysm and aortic dissection. Last evaluated: 2022-04-08. Review status: criteria provided, single submitter. Criteria: Invitae Variant Classification Sherloc (09022015). Collection method: clinical testing. Allele origin: germline.
Comment: For these reasons, this variant has been classified as Pathogenic. This variant disrupts the p.Cys1748 amino acid residue in FBN1. Other variant(s) that disrupt this residue have been observed in individuals with FBN1-related conditions (PMID: 32406602, 33082559), which suggests that this may be a clinically significant amino acid residue. This variant affects a cysteine residue in the EGF-like, TGFBP or hybrid motif domains of FBN1. Cysteine residues are believed to be involved in intramolecular disulfide bridges and have been shown to be important for FBN1 protein structure (PMID: 16905551, 19349279). In addition, missense substitutions affecting cysteine residues within these domains are significantly overrepresented among patients with Marfan syndrome (PMID: 16571647, 17701892). Advanced modeling of protein sequence and biophysical properties (such as structural, functional, and spatial information, amino acid conservation, physicochemical variation, residue mobility, and thermodynamic stability) performed at Invitae indicates that this missense variant is expected to disrupt FBN1 protein function. This missense change has been observed in individual(s) with FBN1-related conditions (PMID: 23897642). This variant is not present in population databases (gnomAD no frequency). This sequence change replaces cysteine, which is neutral and slightly polar, with arginine, which is basic and polar, at codon 1748 of the FBN1 protein (p.Cys1748Arg).

Literature cited by the submitters: PubMed 32406602 (cited by Labcorp Genetics (formerly Invitae), Labcorp); PubMed 33082559 (cited by Labcorp Genetics (formerly Invitae), Labcorp); PubMed 16905551 (cited by Labcorp Genetics (formerly Invitae), Labcorp); PubMed 19349279 (cited by Labcorp Genetics (formerly Invitae), Labcorp); PubMed 16571647 (cited by Labcorp Genetics (formerly Invitae), Labcorp); PubMed 17701892 (cited by Labcorp Genetics (formerly Invitae), Labcorp); PubMed 23897642 (cited by Labcorp Genetics (formerly Invitae), Labcorp).